The following is an entry in ClinVar:

ClinVar aggregate classification (germline): Uncertain significance (1 of 4 stars; one submission).

Conditions:
Joubert syndrome. Also called: CEREBELLOPARENCHYMAL DISORDER IV; JOUBERT-BOLTSHAUSER SYNDROME; Familial aplasia of the vermis. Identifiers: Orphanet 475, MedGen C5979921, MONDO:0018772.
Orofaciodigital syndrome I (OFD1). Also called: OFDS I; Papillon-Leage and Psaume Syndrome; Oral-Facial-Digital Syndrome Type I. Identifiers: Orphanet 2750, MedGen C1510460, MONDO:0010702, OMIM 311200.

Allele frequency attached by ClinVar (database versions not stated): ExAC 0.00001; gnomAD 0.00001; gnomAD exomes 0.00001.
gnomAD v4.1: 12 of 1,202,615 alleles (0.001%); highest among the groups gnomAD compares: Non-Finnish European, 0.0013%; no homozygotes.

Submission:

Labcorp Genetics (formerly Invitae), Labcorp
Classification: Uncertain significance for Orofaciodigital syndrome I; Joubert syndrome. Last evaluated: 2024-01-29. Review status: criteria provided, single submitter. Criteria: Invitae Variant Classification Sherloc (09022015). Collection method: clinical testing. Allele origin: germline.
Comment: This sequence change replaces isoleucine, which is neutral and non-polar, with valine, which is neutral and non-polar, at codon 191 of the OFD1 protein (p.Ile191Val). This variant is present in population databases (rs745933030, gnomAD 0.002%). This variant has not been reported in the literature in individuals affected with OFD1-related conditions. Advanced modeling of protein sequence and biophysical properties (such as structural, functional, and spatial information, amino acid conservation, physicochemical variation, residue mobility, and thermodynamic stability) performed at Invitae indicates that this missense variant is not expected to disrupt OFD1 protein function with a negative predictive value of 80%. In summary, the available evidence is currently insufficient to determine the role of this variant in disease. Therefore, it has been classified as a Variant of Uncertain Significance.

NM_003611.3(OFD1):c.571A>G (p.Ile191Val)

Gene: OFD1 (OFD1 centriole and centriolar satellite protein; plus strand). Cytogenetic location: Xp22.2.
Variant type: single nucleotide variant.
Coding change: c.571A>G on transcript NM_003611.3 (MANE Select); coding-DNA position 571, A replaced by G.
Protein change: p.Ile191Val; replaces isoleucine 191 with valine.
Molecular consequence: missense variant.
Genome position (GRCh38, 1-based): chrX:13,746,372, A>G. VCF-style: chrX-13746372-A-G. GRCh37 (hg19) VCF-style: chrX-13764491-A-G.
Other names: c.571A>G, p.Ile191Val (NM_001330209.2); c.151A>G, p.Ile51Val (NM_001330210.2); short protein forms I191V, I51V.
Identifiers: ClinVar variation 2946744 (VCV002946744.3), dbSNP rs745933030, ClinGen allele CA10351647.